The following is an entry in ClinVar:

ClinVar aggregate classification (germline): Likely benign (1 of 4 stars; one submission).

Allele frequency attached by ClinVar (database versions not stated): ESP Exome Variant Server 0.00015; gnomAD 0.00017; TOPMed 0.00019; gnomAD exomes 0.00029; ExAC 0.00052.
gnomAD v4.1: 418 of 1,563,892 alleles (0.027%); highest among the groups gnomAD compares: South Asian, 0.11%; no homozygotes.

Submission:

CeGaT Center for Human Genetics Tuebingen
Classification: Likely benign. Last evaluated: 2022-11-01. Review status: criteria provided, single submitter. Criteria: CeGaT Center For Human Genetics Tuebingen Variant Classification Criteria Version 2. Collection method: clinical testing. Allele origin: germline. Affected: yes. Observed: 1 variant allele.
Comment: RRP12: BP4, BP7

NM_015179.4(RRP12):c.2214G>A (p.Glu738=)

Gene: RRP12 (ribosomal RNA processing 12 homolog; minus strand). Cytogenetic location: 10q24.1.
Variant type: single nucleotide variant.
Coding change: c.2214G>A on transcript NM_015179.4 (MANE Select); coding-DNA position 2214, G replaced by A.
Protein change: p.Glu738=; no amino-acid change (glutamic acid 738 retained).
Molecular consequence: synonymous variant.
Genome position (GRCh38, 1-based): chr10:97,372,771, C>T on the plus strand (G>A on the coding strand, the complement: RRP12 is on the minus strand). VCF-style: chr10-97372771-C-T. GRCh37 (hg19) VCF-style: chr10-99132528-C-T.
Other names: c.2031G>A, p.Glu677= (NM_001145114.1); c.1914G>A, p.Glu638= (NM_001284337.2).
Identifiers: ClinVar variation 2640737 (VCV002640737.24), dbSNP rs376799446, ClinGen allele CA5630414.